The following is an entry in ClinVar:

NM_007294.4(BRCA1):c.301+9T>G

Gene: BRCA1 (BRCA1 DNA repair associated; minus strand). Cytogenetic location: 17q21.31.
Variant type: single nucleotide variant.
Coding change: c.301+9T>G on transcript NM_007294.4 (MANE Select); 9 bases into the intron after coding-DNA position 301, T replaced by G.
Molecular consequence: intron variant.
Genome position (GRCh38, 1-based): chr17:43,104,859, A>C on the plus strand (T>G on the coding strand, the complement: BRCA1 is on the minus strand). VCF-style: chr17-43104859-A-C. GRCh37 (hg19) VCF-style: chr17-41256876-A-C.
Other names: c.223+9T>G (NM_001408474.1, NM_001408475.1, NM_001407875.1 and 21 more transcripts); c.160+9T>G (NM_001408458.1, NM_001407931.1, NM_001407747.1 and 99 more transcripts); c.-218-9999T>G (NM_001407967.1, NM_001407966.1); c.-81+9T>G (NM_001407959.1, NM_001407962.1, NM_001408512.1 and 4 more transcripts); c.91+9T>G (NM_001407885.1, NM_001407886.1, NM_001407898.1 and 58 more transcripts); c.301+9T>G (NM_001407686.1, NM_001408397.1, NM_001407632.1 and 164 more transcripts); c.169+9T>G (NM_001408451.1); c.292+18T>G (NM_001408408.1, NM_001407647.1, NM_001407646.1).
Identifiers: ClinVar variation 868373 (VCV000868373.3), dbSNP rs1060504587, ClinGen allele CA916080802.

Conditions:
Breast-ovarian cancer, familial, susceptibility to, 1 (BROVCA1). Also called: BRCA1 Hereditary Breast and Ovarian Cancer; OVARIAN CANCER, SUSCEPTIBILITY TO. Identifiers: Orphanet 145, MedGen C2676676, MONDO:0011450, OMIM 604370. Disease mechanism: loss of function.

Submission:

Brotman Baty Institute, University of Washington
No classification provided (evidence only). Condition: Breast-ovarian cancer, familial 1. Review status: no classification provided. Collection method: in vitro. Allele origin: not applicable. Functional consequence: functionally_normal.
ClinVar note: "not provided" was previously submitted as the classification for the variant. However, the classification appeared to be based only on an observation of functional data so it was converted to no classification on 2025-07-30.